The following is an entry in ClinVar:

ClinVar aggregate classification (germline): Uncertain significance. Review status: criteria provided, single submitter (1 of 4 stars). 3 submissions from 2 submitters: Uncertain significance (2). 1 of the submissions does not count toward it.

Conditions:
Transitory neonatal diabetes mellitus. Also called: Transient neonatal diabetes mellitus. Identifiers: MedGen C0342273, MONDO:0020525, HP:0008255.
Maturity-onset diabetes of the young (MODY). Also called: Maturity onset diabetes mellitus in young. Identifiers: Orphanet 552, MedGen C0342276, MONDO:0018911, HP:0004904.
Hyperinsulinemic hypoglycemia, familial, 1 (HHF1). Also called: Persistent hyperinsulinemic hypoglycemia of infancy; Persistent Hyperinsulinemia Hypoglycemia of Infancy; NESIDIOBLASTOSIS OF PANCREAS; HYPERINSULINISM, FAMILIAL, WITH PANCREATIC NESIDIOBLASTOSIS; HYPOGLYCEMIA, HYPERINSULINEMIC, OF INFANCY. Identifiers: Orphanet 276575, Orphanet 276598, MedGen C2931832, MONDO:0009734, OMIM 256450.

Submissions (3):

Clinical Genomics, Uppaluri K&H Personalized Medicine Clinic
Classification: Uncertain significance for Maturity-onset diabetes of the young. Review status: criteria provided, single submitter. Criteria: K & H Uppaluri Personalized Medicine Clinic Variant Classification & Assertion Criteria_Updated V.1. Collection method: research. Allele origin: unknown. Inheritance: Somatic mutation.
Comment: Mutations in ABCC8 gene are associated with both neonatal diabetes mellitus as well as MODY. Patients with this mutation may have a better response to sulfonylureas. However, no sufficient evidence is found to ascertain the role of this particular variant ( rs1564980510) in MODY yet.

Clinical Genomics, Uppaluri K&H Personalized Medicine Clinic
Classification: Uncertain significance for Transitory neonatal diabetes mellitus. Review status: criteria provided, single submitter. Criteria: K & H Uppaluri Personalized Medicine Clinic Variant Classification & Assertion Criteria_Updated V.1. Collection method: research. Allele origin: unknown. Inheritance: Somatic mutation.
Comment: Mutations in ABCC8 gene are associated with both neonatal diabetes mellitus as well as MODY. Patients with this mutation may have a better response to sulfonylureas. However, no sufficient evidence is found to ascertain the role of this particular variant ( rs1564980510) in neonatal diabetes yet.

OMIM
Classification: Pathogenic for HYPERINSULINEMIC HYPOGLYCEMIA, FAMILIAL, 1. Last evaluated: 2012-05-01. Review status: no assertion criteria provided. Collection method: literature only. Allele origin: germline. Not counted in ClinVar's aggregate classification.

Literature cited by the submitters: PubMed 16885549 (cited by Clinical Genomics, Uppaluri K&H Personalized Medicine Clinic); PubMed 21989597 (cited by Clinical Genomics, Uppaluri K&H Personalized Medicine Clinic); PubMed 27538677 (cited by Clinical Genomics, Uppaluri K&H Personalized Medicine Clinic); PubMed 18981553 (cited by Clinical Genomics, Uppaluri K&H Personalized Medicine Clinic); PubMed 32027066 (cited by Clinical Genomics, Uppaluri K&H Personalized Medicine Clinic); PubMed 16613899 (cited by Clinical Genomics, Uppaluri K&H Personalized Medicine Clinic); PubMed 18025408 (cited by Clinical Genomics, Uppaluri K&H Personalized Medicine Clinic); PubMed 32792356 (cited by Clinical Genomics, Uppaluri K&H Personalized Medicine Clinic); PubMed 21378087 (cited by OMIM); PubMed 21978130 (cited by OMIM).

NM_000352.6(ABCC8):c.512dup (p.Thr172fs)

Gene: ABCC8 (ATP binding cassette subfamily C member 8; minus strand). Cytogenetic location: 11p15.1.
Variant type: Duplication.
Coding change: c.512dup on transcript NM_000352.6 (MANE Select); coding-DNA position 512, one base duplicated (T; older notation c.512dupT).
Protein change: p.Thr172fs; shifts the reading frame from threonine 172.
Molecular consequence: frameshift variant. On other transcripts: non-coding transcript variant (1).
Genome position (GRCh38, 1-based): chr11:17,463,505, A duplicated on the plus strand (T on the coding strand, the reverse complement: ABCC8 is on the minus strand). VCF-style (leftmost placement, unchanged base first): chr11-17463504-G-GA. GRCh37 (hg19) VCF-style: chr11-17485051-G-GA.
Other names: c.512dupT (NM_000352.4); c.512dup, p.Thr172fs (NM_001287174.3, NM_001351295.2, NM_001351296.2 and 1 more transcripts); short protein forms T172fs.
Identifiers: ClinVar variation 39471 (VCV000039471.3), dbSNP rs1564980510, ClinGen allele CA891842526.